The following is an entry in ClinVar:

ClinVar aggregate classification (germline): Uncertain significance (1 of 4 stars; one submission).

Allele frequency attached by ClinVar (database versions not stated): gnomAD 0.00001.
gnomAD v4.1: 1 of 1,612,148 alleles (0.000062%); highest among the groups gnomAD compares: Admixed American, 0.0017%; no homozygotes.

Submission:

GeneDx
Classification: Uncertain significance. Last evaluated: 2026-07-29. Review status: criteria provided, single submitter. Criteria: GeneDx Variant Classification Process June 2021. Collection method: clinical testing. Allele origin: germline.
Comment: Not observed at significant frequency in large population cohorts (gnomAD); In silico analysis supports that this missense variant has a deleterious effect on protein structure/function; Has not been previously published as pathogenic or benign to our knowledge; Does not affect a cysteine or calcium-binding residue within an EGF-like domain or a TGF-binding protein domain of the FBN1 gene; cysteine substitutions in the EGF-like domains represent the majority of pathogenic missense changes associated with FBN1-related disorders (PMID: 12938084); This variant is associated with the following publications: (PMID: 12938084)

NM_000138.5(FBN1):c.5236A>C (p.Thr1746Pro)

Gene: FBN1 (fibrillin 1; minus strand). Cytogenetic location: 15q21.1.
Variant type: single nucleotide variant.
Coding change: c.5236A>C on transcript NM_000138.5 (MANE Select); coding-DNA position 5236, A replaced by C.
Protein change: p.Thr1746Pro; replaces threonine 1746 with proline.
Molecular consequence: missense variant.
Genome position (GRCh38, 1-based): chr15:48,460,306, T>G on the plus strand (A>C on the coding strand, the complement: FBN1 is on the minus strand). VCF-style: chr15-48460306-T-G. GRCh37 (hg19) VCF-style: chr15-48752503-T-G.
Other names: c.5236A>C, p.Thr1746Pro (NM_001406716.1); short protein forms T1746P.
Identifiers: ClinVar variation 1810043 (VCV001810043.2), dbSNP rs2043271367, ClinGen allele CA392348082.
Genomic context (GRCh38, chr15:48,460,306, plus strand): 5'-CAACGGGTAAACCGGTATAAATGTCGATGACAAAGCCTGGCCTTTGACTTCCACAGAGTG[T>G]AGCAAACTCATCTGCAATGATTAAACAAAGGTGGGATGGGAGGATAGGGGTCAGCAAAGA-3'
Protein context (NP_000129.3, residues 1736-1756): CPIPSTDEFA[Thr1746Pro]LCGSQRPGFV